The following is an entry in ClinVar:

ClinVar aggregate classification (germline): Pathogenic (1 of 4 stars; one submission).

Conditions:
Hartsfield-Bixler-Demyer syndrome (HRTFDS). Also called: FGFR1-Related Hartsfield Syndrome; Holoprosencephaly, ectrodactyly, and bilateral cleft lip/palate; Hartsfield syndrome. Identifiers: Orphanet 2117, MedGen C1845146, MONDO:0014196, OMIM 615465. Disease mechanism: loss of function.

Submission:

Muenke lab, National Institutes of Health
Classification: Pathogenic for Hartsfield-Bixler-Demyer syndrome. Last evaluated: 2018-03-09. Review status: criteria provided, single submitter. Criteria: Submitter's publication. Collection method: in vivo. Allele origin: not applicable. Inheritance: Autosomal dominant inheritance.
Comment: Known disease association; ACMG criteria are met: PS3;PM1/PM2/PM4/PM5;PP2/PP3/PP4. Kinase domain; interferes with kinase activity of receptor dimers.

NM_023110.3(FGFR1):c.1869C>G (p.Asp623Glu)

Gene: FGFR1 (fibroblast growth factor receptor 1; minus strand). Cytogenetic location: 8p11.23.
Variant type: single nucleotide variant.
Coding change: c.1869C>G on transcript NM_023110.3 (MANE Select); coding-DNA position 1869, C replaced by G.
Protein change: p.Asp623Glu; replaces aspartic acid 623 with glutamic acid.
Molecular consequence: missense variant.
Genome position (GRCh38, 1-based): chr8:38,414,887, G>C on the plus strand (C>G on the coding strand, the complement: FGFR1 is on the minus strand). VCF-style: chr8-38414887-G-C. GRCh37 (hg19) VCF-style: chr8-38272405-G-C.
Other names: c.1863C>G, p.Asp621Glu (NM_001174063.2, NM_001174065.2, NM_001354367.2 and 1 more transcripts); c.1839C>G, p.Asp613Glu (NM_001174064.2); c.1602C>G, p.Asp534Glu (NM_001174066.2, NM_023105.3); c.1962C>G, p.Asp654Glu (NM_001174067.2); c.1590C>G, p.Asp530Glu (NM_001354368.2); c.1857C>G, p.Asp619Glu (NM_001354369.2); c.1596C>G, p.Asp532Glu (NM_001354370.2, NM_023106.3); short protein forms D623E, D613E, D534E, D621E, D619E, D530E, D532E, D654E.
Identifiers: ClinVar variation 522553 (VCV000522553.2), dbSNP rs780009859, ClinGen allele CA370730581.